The following is an entry in ClinVar:

NM_000088.4(COL1A1):c.3966G>A (p.Arg1322=)

Gene: COL1A1 (collagen type I alpha 1 chain; minus strand). Cytogenetic location: 17q21.33.
Variant type: single nucleotide variant.
Coding change: c.3966G>A on transcript NM_000088.4 (MANE Select); coding-DNA position 3966, G replaced by A.
Protein change: p.Arg1322=; no amino-acid change (arginine 1322 retained).
Molecular consequence: synonymous variant.
Genome position (GRCh38, 1-based): chr17:50,186,356, C>T on the plus strand (G>A on the coding strand, the complement: COL1A1 is on the minus strand). VCF-style: chr17-50186356-C-T. GRCh37 (hg19) VCF-style: chr17-48263717-C-T.
Identifiers: ClinVar variation 2586953 (VCV002586953.13), dbSNP rs775998962, ClinGen allele CA8644310.

ClinVar aggregate classification (germline): Likely benign. Review status: criteria provided, multiple submitters, no conflicts (2 of 4 stars). 3 submissions from 3 submitters: Likely benign (3). Last evaluated 2025-05-17.

Conditions:
Cardiovascular phenotype. Identifiers: MedGen CN230736.
Osteogenesis imperfecta type I (OI1). Also called: OI, TYPE I; OSTEOGENESIS IMPERFECTA TARDA; OSTEOGENESIS IMPERFECTA WITH BLUE SCLERAE; Osteogenesis imperfecta type 1; Lobstein's Disease; Lobstein disease. Identifiers: Orphanet 216796, Orphanet 666, MedGen C0023931, MONDO:0008146, OMIM 166200. Disease mechanism: loss of function.

Allele frequency attached by ClinVar (database versions not stated): TOPMed below 0.00001; gnomAD exomes 0.00001; ExAC 0.00002.

Submissions (3):

Labcorp Genetics (formerly Invitae), Labcorp
Classification: Likely benign for Osteogenesis imperfecta type I. Last evaluated: 2025-05-17. Review status: criteria provided, single submitter. Criteria: Invitae Variant Classification Sherloc (09022015). Collection method: clinical testing. Allele origin: germline.

CeGaT Center for Human Genetics Tuebingen
Classification: Likely benign. Last evaluated: 2025-05-01. Review status: criteria provided, single submitter. Criteria: CeGaT Center For Human Genetics Tuebingen Variant Classification Criteria Version 2. Collection method: clinical testing. Allele origin: germline. Affected: yes. Observed: 1 variant allele.
Comment: COL1A1: BP4, BP7

Ambry Genetics
Classification: Likely benign for Cardiovascular phenotype. Last evaluated: 2023-09-08. Review status: criteria provided, single submitter. Criteria: Ambry Variant Classification Scheme 2023. Collection method: clinical testing. Allele origin: germline.